The following is an entry in ClinVar:

ClinVar aggregate classification (germline): Uncertain significance (1 of 4 stars; one submission).

Conditions:
Familial meningioma. Also called: Meningioma, familial, susceptibility to. Identifiers: Orphanet 263662, MedGen C3551915, MONDO:0011789, OMIM 607174.

Submission:

Labcorp Genetics (formerly Invitae), Labcorp
Classification: Uncertain significance for Familial meningioma. Last evaluated: 2024-07-15. Review status: criteria provided, single submitter. Criteria: Invitae Variant Classification Sherloc (09022015). Collection method: clinical testing. Allele origin: germline.
Comment: This sequence change replaces proline, which is neutral and non-polar, with serine, which is neutral and polar, at codon 405 of the SMARCE1 protein (p.Pro405Ser). This variant is not present in population databases (gnomAD no frequency). This variant has not been reported in the literature in individuals affected with SMARCE1-related conditions. Experimental studies and prediction algorithms are not available or were not evaluated, and the functional significance of this variant is currently unknown. In summary, the available evidence is currently insufficient to determine the role of this variant in disease. Therefore, it has been classified as a Variant of Uncertain Significance.

NM_003079.5(SMARCE1):c.1213C>T (p.Pro405Ser)

Gene: SMARCE1 (SWI/SNF related BAF chromatin remodeling complex subunit E1; minus strand). Cytogenetic location: 17q21.2.
Variant type: single nucleotide variant.
Coding change: c.1213C>T on transcript NM_003079.5 (MANE Select); coding-DNA position 1213, C replaced by T.
Protein change: p.Pro405Ser; replaces proline 405 with serine.
Molecular consequence: missense variant.
Genome position (GRCh38, 1-based): chr17:40,628,808, G>A on the plus strand (C>T on the coding strand, the complement: SMARCE1 is on the minus strand). VCF-style: chr17-40628808-G-A. GRCh37 (hg19) VCF-style: chr17-38785060-G-A.
Other names: short protein forms P405S.
Identifiers: ClinVar variation 2882151 (VCV002882151.3), dbSNP rs767835921, ClinGen allele CA399360791.